The following is an entry in ClinVar:

ClinVar aggregate classification (germline): Uncertain significance. Review status: criteria provided, multiple submitters, no conflicts (2 of 4 stars). 3 submissions from 3 submitters: Uncertain significance (3). Last evaluated 2022-08-16.

Conditions:
Emery-Dreifuss muscular dystrophy 4, autosomal dominant (EDMD4). Also called: EMERY-DREIFUSS MUSCULAR DYSTROPHY 4 WITH VARIABLE FEATURES. Identifiers: Orphanet 261, MedGen C2751807, MONDO:0013071, OMIM 612998.
Autosomal recessive ataxia, Beauce type. Also called: Spinocerebellar ataxia, autosomal recessive 8; SYNE1-Related Autosomal Recessive Cerebellar Ataxia; SYNE1 Deficiency; ATAXIA, RECESSIVE, OF BEAUCE. Identifiers: Orphanet 88644, MedGen C1853116, MONDO:0012549, OMIM 610743.

Allele frequency attached by ClinVar (database versions not stated): gnomAD exomes below 0.00001 and 0.00002; gnomAD 0.00002; TOPMed 0.00002.
gnomAD v4.1: 28 of 1,614,086 alleles (0.0017%); highest among the groups gnomAD compares: Middle Eastern, 0.016%; no homozygotes.

Submissions (3):

Labcorp Genetics (formerly Invitae), Labcorp
Classification: Uncertain significance for Emery-Dreifuss muscular dystrophy 4, autosomal dominant; Autosomal recessive ataxia, Beauce type. Last evaluated: 2022-08-16. Review status: criteria provided, single submitter. Criteria: Invitae Variant Classification Sherloc (09022015). Collection method: clinical testing. Allele origin: germline.
Comment: In summary, the available evidence is currently insufficient to determine the role of this variant in disease. Therefore, it has been classified as a Variant of Uncertain Significance. Algorithms developed to predict the effect of missense changes on protein structure and function (SIFT, PolyPhen-2, Align-GVGD) all suggest that this variant is likely to be tolerated. ClinVar contains an entry for this variant (Variation ID: 289783). This variant has not been reported in the literature in individuals affected with SYNE1-related conditions. The frequency data for this variant in the population databases is considered unreliable, as metrics indicate poor data quality at this position in the gnomAD database. This sequence change replaces arginine, which is basic and polar, with glycine, which is neutral and non-polar, at codon 2805 of the SYNE1 protein (p.Arg2805Gly).

Blueprint Genetics
Classification: Uncertain significance. Last evaluated: 2021-03-10. Review status: criteria provided, single submitter. Criteria: ACMG Guidelines, 2015. Collection method: clinical testing. Allele origin: germline.

Eurofins Ntd Llc (ga)
Classification: Uncertain significance. Last evaluated: 2016-08-31. Review status: criteria provided, single submitter. Criteria: EGL Classification Definitions 2015. Collection method: clinical testing. Allele origin: germline. Observed: 1 variant allele, 1 heterozygote.

NM_182961.4(SYNE1):c.8392A>G (p.Arg2798Gly)

Gene: SYNE1 (spectrin repeat containing nuclear envelope protein 1; minus strand). Cytogenetic location: 6q25.2.
Variant type: single nucleotide variant.
Coding change: c.8392A>G on transcript NM_182961.4 (MANE Select); coding-DNA position 8392, A replaced by G.
Protein change: p.Arg2798Gly; replaces arginine 2798 with glycine.
Molecular consequence: missense variant.
Genome position (GRCh38, 1-based): chr6:152,387,167, T>C on the plus strand (A>G on the coding strand, the complement: SYNE1 is on the minus strand). VCF-style: chr6-152387167-T-C. GRCh37 (hg19) VCF-style: chr6-152708302-T-C.
Other names: c.8413A>G, p.Arg2805Gly (NM_033071.5); short protein forms R2798G, R2805G.
Identifiers: ClinVar variation 289783 (VCV000289783.15), dbSNP rs886044262, ClinGen allele CA10606546.